The following is an entry in ClinVar:

ClinVar aggregate classification (germline): Uncertain significance. Review status: criteria provided, multiple submitters, no conflicts (2 of 4 stars). 4 submissions from 4 submitters: Uncertain significance (4). Last evaluated 2025-09-21.

Conditions:
Hereditary cancer-predisposing syndrome. Also called: Tumor predisposition; Hereditary neoplastic syndrome; Hereditary Cancer Syndrome; Neoplastic Syndromes, Hereditary. Identifiers: Orphanet 140162, MedGen C0027672, MeSH D009386, MONDO:0015356.

Allele frequency attached by ClinVar (database versions not stated): gnomAD exomes below 0.00001; TOPMed below 0.00001.
gnomAD v4.1: 4 of 1,614,172 alleles (0.00025%); highest among the groups gnomAD compares: Middle Eastern, 0.033%; no homozygotes.

Submissions (4):

Labcorp Genetics (formerly Invitae), Labcorp
Classification: Uncertain significance. Last evaluated: 2025-09-21. Review status: criteria provided, single submitter. Criteria: Invitae Variant Classification Sherloc (09022015). Collection method: clinical testing. Allele origin: germline.
Comment: This sequence change replaces alanine, which is neutral and non-polar, with valine, which is neutral and non-polar, at codon 895 of the POLE protein (p.Ala895Val). This variant is present in population databases (no rsID available, gnomAD no frequency). This variant has not been reported in the literature in individuals affected with POLE-related conditions. ClinVar contains an entry for this variant (Variation ID: 473549). Invitae Evidence Modeling of protein sequence and biophysical properties (such as structural, functional, and spatial information, amino acid conservation, physicochemical variation, residue mobility, and thermodynamic stability) indicates that this missense variant is not expected to disrupt POLE protein function with a negative predictive value of 80%. In summary, the available evidence is currently insufficient to determine the role of this variant in disease. Therefore, it has been classified as a Variant of Uncertain Significance.

Ambry Genetics
Classification: Uncertain significance for Hereditary cancer-predisposing syndrome. Last evaluated: 2025-09-01. Review status: criteria provided, single submitter. Criteria: Ambry Variant Classification Scheme 2023. Collection method: clinical testing. Allele origin: germline.
Comment: The p.A895V variant (also known as c.2684C>T), located in coding exon 23 of the POLE gene, results from a C to T substitution at nucleotide position 2684. The alanine at codon 895 is replaced by valine, an amino acid with similar properties. This amino acid position is conserved. In addition, the in silico prediction for this alteration is inconclusive. Since supporting evidence is limited at this time, the clinical significance of this alteration remains unclear.

Blueprint Genetics
Classification: Uncertain significance. Last evaluated: 2024-04-26. Review status: criteria provided, single submitter. Criteria: ACMG Guidelines, 2015. Collection method: clinical testing. Allele origin: germline.

GeneDx
Classification: Uncertain significance. Last evaluated: 2019-10-29. Review status: criteria provided, single submitter. Criteria: GeneDx Variant Classification Process June 2021. Collection method: clinical testing. Allele origin: germline. Affected: yes.
Comment: Not observed at a significant frequency in large population cohorts (Lek et al., 2016); In silico analysis, which includes protein predictors and evolutionary conservation, supports a deleterious effect; Has not been previously published as a pathogenic or benign germline variant to our knowledge; This variant is associated with the following publications: (PMID: 29056344)

NM_006231.4(POLE):c.2684C>T (p.Ala895Val)

Gene: POLE (DNA polymerase epsilon, catalytic subunit; minus strand). Cytogenetic location: 12q24.33.
Variant type: single nucleotide variant.
Coding change: c.2684C>T on transcript NM_006231.4 (MANE Select); coding-DNA position 2684, C replaced by T.
Protein change: p.Ala895Val; replaces alanine 895 with valine.
Molecular consequence: missense variant.
Genome position (GRCh38, 1-based): chr12:132,664,026, G>A on the plus strand (C>T on the coding strand, the complement: POLE is on the minus strand). VCF-style: chr12-132664026-G-A. GRCh37 (hg19) VCF-style: chr12-133240612-G-A.
Other names: short protein forms A895V.
Identifiers: ClinVar variation 473549 (VCV000473549.16), dbSNP rs1458833255, ClinGen allele CA387395083.
Genomic context (GRCh38, chr12:132,664,026, plus strand): 5'-GCCAGCCAGAGCTTCAGGACCAGAGGCCCCAGACTCACCTTGACCATGATGTTCAACATG[G>A]CGCCTGGGTAGGAGATGGTCACTTTGGGCTTCTTCACATTGGTCGTCTTGAAGACAAAAT-3'
Protein context (NP_006222.2, residues 885-905): KPKVTISYPG[Ala895Val]MLNIMVKEGF